The following is an entry in ClinVar:

ClinVar aggregate classification (germline): Likely benign (1 of 4 stars; one submission).

Submission:

GeneDx
Classification: Likely benign. Last evaluated: 2018-04-05. Review status: criteria provided, single submitter. Criteria: GeneDx Variant Classification (06012015). Collection method: clinical testing. Allele origin: germline. Affected: yes.
Comment: This variant is considered likely benign or benign based on one or more of the following criteria: it is a conservative change, it occurs at a poorly conserved position in the protein, it is predicted to be benign by multiple in silico algorithms, and/or has population frequency not consistent with disease.

NM_001267550.2(TTN):c.68140T>C (p.Tyr22714His)

Genes: TTN (titin; minus strand), TTN-AS1 (TTN antisense RNA 1; plus strand), LOC126806423 (CDK7 strongly-dependent group 2 enhancer GRCh37_chr2:179443309-179444508; plus strand). Cytogenetic location: 2q31.2.
Variant type: single nucleotide variant.
Coding change: c.68140T>C on transcript NM_001267550.2 (MANE Select); coding-DNA position 68140, T replaced by C.
Protein change: p.Tyr22714His; replaces tyrosine 22714 with histidine.
Molecular consequence: missense variant.
Genome position (GRCh38, 1-based): chr2:178,578,890, A>G on the plus strand (T>C on the coding strand, the complement: TTN is on the minus strand). VCF-style: chr2-178578890-A-G. GRCh37 (hg19) VCF-style: chr2-179443617-A-G.
Other names: c.63217T>C, p.Tyr21073His (NM_001256850.1); c.40945T>C, p.Tyr13649His (NM_003319.4); c.60436T>C, p.Tyr20146His (NM_133378.4); c.41320T>C, p.Tyr13774His (NM_133432.3); c.41521T>C, p.Tyr13841His (NM_133437.4); short protein forms Y13841H, Y13649H, Y21073H, Y22714H, Y13774H, Y20146H.
Identifiers: ClinVar variation 681486 (VCV000681486.1), dbSNP rs1575858946, ClinGen allele CA349421452.